The following is an entry in ClinVar:

NM_172364.5(CACNA2D4):c.2932G>C (p.Glu978Gln)

Gene: CACNA2D4 (calcium voltage-gated channel auxiliary subunit alpha2delta 4; minus strand). Cytogenetic location: 12p13.33.
Variant type: single nucleotide variant.
Coding change: c.2932G>C on transcript NM_172364.5 (MANE Select); coding-DNA position 2932, G replaced by C.
Protein change: p.Glu978Gln; replaces glutamic acid 978 with glutamine.
Molecular consequence: missense variant.
Genome position (GRCh38, 1-based): chr12:1,800,042, C>G on the plus strand (G>C on the coding strand, the complement: CACNA2D4 is on the minus strand). VCF-style: chr12-1800042-C-G. GRCh37 (hg19) VCF-style: chr12-1909208-C-G.
Other names: short protein forms E978Q.
Identifiers: ClinVar variation 3010038 (VCV003010038.3), dbSNP rs1271990051, ClinGen allele CA383348845.

ClinVar aggregate classification (germline): Uncertain significance (1 of 4 stars; one submission).

Allele frequency attached by ClinVar (database versions not stated): gnomAD 0.00001; gnomAD exomes 0.00001; TOPMed 0.00001.
gnomAD v4.1: 15 of 1,601,660 alleles (0.00094%); highest among the groups gnomAD compares: Non-Finnish European, 0.0013%; no homozygotes.

Submission:

Labcorp Genetics (formerly Invitae), Labcorp
Classification: Uncertain significance. Last evaluated: 2023-12-10. Review status: criteria provided, single submitter. Criteria: Invitae Variant Classification Sherloc (09022015). Collection method: clinical testing. Allele origin: germline.
Comment: This sequence change replaces glutamic acid, which is acidic and polar, with glutamine, which is neutral and polar, at codon 978 of the CACNA2D4 protein (p.Glu978Gln). This variant is not present in population databases (gnomAD no frequency). This variant has not been reported in the literature in individuals affected with CACNA2D4-related conditions. Algorithms developed to predict the effect of missense changes on protein structure and function output the following: SIFT: "Not Available"; PolyPhen-2: "Benign"; Align-GVGD: "Not Available". The glutamine amino acid residue is found in multiple mammalian species, which suggests that this missense change does not adversely affect protein function. In summary, the available evidence is currently insufficient to determine the role of this variant in disease. Therefore, it has been classified as a Variant of Uncertain Significance.